The following is an entry in ClinVar:

ClinVar aggregate classification (germline): Uncertain significance. Review status: criteria provided, multiple submitters, no conflicts (2 of 4 stars). 2 submissions from 2 submitters: Uncertain significance (2). Last evaluated 2023-08-23.

Conditions:
Hereditary cancer-predisposing syndrome. Also called: Hereditary Cancer Syndrome; Hereditary neoplastic syndrome; Neoplastic Syndromes, Hereditary; Tumor predisposition. Identifiers: Orphanet 140162, MedGen C0027672, MeSH D009386, MONDO:0015356.
Ataxia-telangiectasia syndrome (AT). Also called: Ataxia-telangiectasia, complementation group E; LOUIS-BAR SYNDROME; Cerebello-oculocutaneous telangiectasia; Immunodeficiency with ataxia telangiectasia; Ataxia-telangiectasia, complementation group D; AT, COMPLEMENTATION GROUP C. Identifiers: Orphanet 100, MedGen C0004135, MONDO:0008840, OMIM 208900.

Submissions (2):

Labcorp Genetics (formerly Invitae), Labcorp
Classification: Uncertain significance for Ataxia-telangiectasia syndrome. Last evaluated: 2023-08-23. Review status: criteria provided, single submitter. Criteria: Invitae Variant Classification Sherloc (09022015). Collection method: clinical testing. Allele origin: germline.
Comment: In summary, the available evidence is currently insufficient to determine the role of this variant in disease. Therefore, it has been classified as a Variant of Uncertain Significance. This sequence change replaces leucine, which is neutral and non-polar, with proline, which is neutral and non-polar, at codon 483 of the ATM protein (p.Leu483Pro). This variant is not present in population databases (gnomAD no frequency). This variant has not been reported in the literature in individuals affected with ATM-related conditions. ClinVar contains an entry for this variant (Variation ID: 923713). An algorithm developed to predict the effect of missense changes on protein structure and function (PolyPhen-2) suggests that this variant is likely to be disruptive.

Color Diagnostics, LLC DBA Color Health
Classification: Uncertain significance for Hereditary cancer-predisposing syndrome. Last evaluated: 2019-06-20. Review status: criteria provided, single submitter. Criteria: ACMG Guidelines, 2015. Collection method: clinical testing. Allele origin: germline.

NM_000051.4(ATM):c.1448T>C (p.Leu483Pro)

Gene: ATM (ATM serine/threonine kinase; plus strand). Cytogenetic location: 11q22.3.
Variant type: single nucleotide variant.
Coding change: c.1448T>C on transcript NM_000051.4 (MANE Select); coding-DNA position 1448, T replaced by C.
Protein change: p.Leu483Pro; replaces leucine 483 with proline.
Molecular consequence: missense variant.
Genome position (GRCh38, 1-based): chr11:108,250,913, T>C. VCF-style: chr11-108250913-T-C. GRCh37 (hg19) VCF-style: chr11-108121640-T-C.
Other names: c.1448T>C, p.Leu483Pro (NM_001351834.2); short protein forms L483P.
Identifiers: ClinVar variation 923713 (VCV000923713.5), dbSNP rs2080107968, ClinGen allele CA382534104.